The following is an entry in ClinVar:

NM_133642.5(LARGE1):c.2213T>C (p.Met738Thr)

Gene: LARGE1 (LARGE xylosyl- and glucuronyltransferase 1; minus strand). Cytogenetic location: 22q12.3.
Variant type: single nucleotide variant.
Coding change: c.2213T>C on transcript NM_133642.5 (MANE Select); coding-DNA position 2213, T replaced by C.
Protein change: p.Met738Thr; replaces methionine 738 with threonine.
Molecular consequence: missense variant.
Genome position (GRCh38, 1-based): chr22:33,274,485, A>G on the plus strand (T>C on the coding strand, the complement: LARGE1 is on the minus strand). VCF-style: chr22-33274485-A-G. GRCh37 (hg19) VCF-style: chr22-33670471-A-G.
Other names: c.2213T>C, p.Met738Thr (NM_001362949.2, NM_001362951.2, NM_001362953.2 and 4 more transcripts); c.2066T>C, p.Met689Thr (NM_001378627.1, NM_001378628.1); c.2057T>C, p.Met686Thr (NM_001378629.1); c.1610T>C, p.Met537Thr (NM_001378630.1); c.1307T>C, p.Met436Thr (NM_001378631.1); short protein forms M738T, M436T, M537T, M686T, M689T.
Identifiers: ClinVar variation 211370 (VCV000211370.17), dbSNP rs776954687, ClinGen allele CA209007.

ClinVar aggregate classification (germline): Uncertain significance. Review status: criteria provided, multiple submitters, no conflicts (2 of 4 stars). 5 submissions from 5 submitters: Uncertain significance (5). Last evaluated 2024-05-17.

Conditions:
Inborn genetic diseases. Identifiers: MedGen C0950123, MeSH D030342.
Muscular dystrophy-dystroglycanopathy type B6 (MDDGB6). Also called: MUSCULAR DYSTROPHY-DYSTROGLYCANOPATHY (CONGENITAL WITH IMPAIRED INTELLECTUAL DEVELOPMENT), TYPE B, 6; MUSCULAR DYSTROPHY, CONGENITAL, LARGE-RELATED; MUSCULAR DYSTROPHY, CONGENITAL, TYPE 1D. Identifiers: MedGen C1837229, MONDO:0012138, OMIM 608840.

Allele frequency attached by ClinVar (database versions not stated): ExAC 0.00003; gnomAD exomes 0.00003 and 0.00017; gnomAD 0.00005 and 0.00006; TOPMed 0.00006.
gnomAD v4.1: 273 of 1,613,974 alleles (0.017%); highest among the groups gnomAD compares: Non-Finnish European, 0.021%; no homozygotes.

Submissions (5):

Blueprint Genetics
Classification: Uncertain significance. Last evaluated: 2024-05-17. Review status: criteria provided, single submitter. Criteria: ACMG Guidelines, 2015. Collection method: clinical testing. Allele origin: germline.

Ambry Genetics
Classification: Uncertain significance for Inborn genetic diseases. Last evaluated: 2022-09-06. Review status: criteria provided, single submitter. Criteria: Ambry Variant Classification Scheme 2023. Collection method: clinical testing. Allele origin: germline.

Labcorp Genetics (formerly Invitae), Labcorp
Classification: Uncertain significance for Muscular dystrophy-dystroglycanopathy type B6. Last evaluated: 2022-07-05. Review status: criteria provided, single submitter. Criteria: Invitae Variant Classification Sherloc (09022015). Collection method: clinical testing. Allele origin: germline.
Comment: This sequence change replaces methionine, which is neutral and non-polar, with threonine, which is neutral and polar, at codon 738 of the LARGE1 protein (p.Met738Thr). This variant is present in population databases (rs776954687, gnomAD 0.008%). This variant has not been reported in the literature in individuals affected with LARGE1-related conditions. ClinVar contains an entry for this variant (Variation ID: 211370). Algorithms developed to predict the effect of missense changes on protein structure and function are either unavailable or do not agree on the potential impact of this missense change (SIFT: "Tolerated"; PolyPhen-2: "Possibly Damaging"; Align-GVGD: "Class C0"). In summary, the available evidence is currently insufficient to determine the role of this variant in disease. Therefore, it has been classified as a Variant of Uncertain Significance.

Mayo Clinic Laboratories, Mayo Clinic
Classification: Uncertain significance. Last evaluated: 2019-12-13. Review status: criteria provided, single submitter. Criteria: ACMG Guidelines, 2015. Collection method: clinical testing. Allele origin: germline. Observed: 1 variant allele.

Genetic Services Laboratory, University of Chicago
Classification: Uncertain significance. Last evaluated: 2014-11-24. Review status: criteria provided, single submitter. Criteria: ACMG Guidelines, 2015. Collection method: clinical testing. Allele origin: germline.